The following is an entry in ClinVar:

NM_032043.3(BRIP1):c.3298G>C (p.Asp1100His)

Gene: BRIP1 (BRCA1 interacting DNA helicase 1; minus strand). Cytogenetic location: 17q23.2.
Variant type: single nucleotide variant.
Coding change: c.3298G>C on transcript NM_032043.3 (MANE Select); coding-DNA position 3298, G replaced by C.
Protein change: p.Asp1100His; replaces aspartic acid 1100 with histidine.
Molecular consequence: missense variant.
Genome position (GRCh38, 1-based): chr17:61,683,748, C>G on the plus strand (G>C on the coding strand, the complement: BRIP1 is on the minus strand). VCF-style: chr17-61683748-C-G. GRCh37 (hg19) VCF-style: chr17-59761109-C-G.
Other names: short protein forms D1100H.
Identifiers: ClinVar variation 926653 (VCV000926653.16), dbSNP rs587781923, ClinGen allele CA400479033.

ClinVar aggregate classification (germline): Uncertain significance. Review status: criteria provided, multiple submitters, no conflicts (2 of 4 stars). 3 submissions from 3 submitters: Uncertain significance (3). Last evaluated 2024-03-06.

Conditions:
Fanconi anemia complementation group J. Also called: BRIP1-Related Fanconi Anemia. Identifiers: Orphanet 84, MedGen C1836860, MONDO:0012187, OMIM 609054.
Familial cancer of breast. Also called: BREAST CANCER, FAMILIAL; hereditary breast carcinoma; Hereditary breast cancer. Identifiers: Orphanet 227535, MedGen C0346153, MONDO:0016419, OMIM 114480. Disease mechanism: loss of function.
Hereditary cancer-predisposing syndrome. Also called: Tumor predisposition; Hereditary neoplastic syndrome; Neoplastic Syndromes, Hereditary; Hereditary Cancer Syndrome. Identifiers: Orphanet 140162, MedGen C0027672, MeSH D009386, MONDO:0015356.

Submissions (3):

Color Diagnostics, LLC DBA Color Health
Classification: Uncertain significance for Hereditary cancer-predisposing syndrome. Last evaluated: 2024-03-06. Review status: criteria provided, single submitter. Criteria: ACMG Guidelines, 2015. Collection method: clinical testing. Allele origin: germline.
Comment: This missense variant replaces aspartic acid with histidine at codon 1100 of the BRIP1 protein. Computational prediction suggests that this variant may not impact protein structure and function (internally defined REVEL score threshold <= 0.5, PMID: 27666373). Splice site prediction tools suggest that this variant may not impact RNA splicing. To our knowledge, functional studies have not been performed for this variant. This variant has not been reported in individuals affected with hereditary cancer in the literature. This variant has not been identified in the general population by the Genome Aggregation Database (gnomAD). The available evidence is insufficient to determine the role of this variant in disease conclusively. Therefore, this variant is classified as a Variant of Uncertain Significance.

GeneDx
Classification: Uncertain significance. Last evaluated: 2021-06-07. Review status: criteria provided, single submitter. Criteria: GeneDx Variant Classification Process June 2021. Collection method: clinical testing. Allele origin: germline. Affected: yes.
Comment: Not observed in large population cohorts (Lek 2016); In silico analysis supports that this missense variant does not alter protein structure/function; Has not been previously published as pathogenic or benign to our knowledge; This variant is associated with the following publications: (PMID: 27535533)

Labcorp Genetics (formerly Invitae), Labcorp
Classification: Uncertain significance for Familial cancer of breast; Fanconi anemia complementation group J. Last evaluated: 2021-03-18. Review status: criteria provided, single submitter. Criteria: Invitae Variant Classification Sherloc (09022015). Collection method: clinical testing. Allele origin: germline.
Comment: In summary, the available evidence is currently insufficient to determine the role of this variant in disease. Therefore, it has been classified as a Variant of Uncertain Significance. Algorithms developed to predict the effect of missense changes on protein structure and function output the following: SIFT: "Tolerated"; PolyPhen-2: "Benign"; Align-GVGD: "Class C0". The histidine amino acid residue is found in multiple mammalian species, suggesting that this missense change does not adversely affect protein function. These predictions have not been confirmed by published functional studies and their clinical significance is uncertain. This variant has not been reported in the literature in individuals with BRIP1-related conditions. ClinVar contains an entry for this variant (Variation ID: 926653). This variant is not present in population databases (ExAC no frequency). This sequence change replaces aspartic acid with histidine at codon 1100 of the BRIP1 protein (p.Asp1100His). The aspartic acid residue is weakly conserved and there is a moderate physicochemical difference between aspartic acid and histidine.